The following is an entry in ClinVar:

NM_001379500.1(COL18A1):c.107-11410G>A

Gene: COL18A1 (collagen type XVIII alpha 1 chain; plus strand). Cytogenetic location: 21q22.3.
Variant type: single nucleotide variant.
Coding change: c.107-11410G>A on transcript NM_001379500.1 (MANE Select); 11410 bases into the intron before coding-DNA position 107, G replaced by A.
Molecular consequence: intron variant. On other transcripts: synonymous variant (1).
Genome position (GRCh38, 1-based): chr21:45,456,832, G>A. VCF-style: chr21-45456832-G-A. GRCh37 (hg19) VCF-style: chr21-46876746-G-A.
Other names: c.1302G>A, p.Ser434= (NM_130444.3); c.646+656G>A (NM_030582.4); c.1302G>A (NM_130444.2).
Identifiers: ClinVar variation 4946592 (VCV004946592.2).

ClinVar aggregate classification (germline): Likely benign. Review status: criteria provided, multiple submitters, no conflicts (2 of 4 stars). 2 submissions from 2 submitters: Likely benign (2). Last evaluated 2025-05-22.

Conditions:
COL18A1-related disorder. Also called: COL18A1-related condition; COL18A1-related disorders.

gnomAD v4.1: 51 of 1,515,848 alleles (0.0034%); highest among the groups gnomAD compares: Non-Finnish European, 0.0042%; no homozygotes.

Submissions (2):

PreventionGenetics, part of Exact Sciences
Classification: Likely benign for COL18A1-related condition. Last evaluated: 2025-05-22. Review status: criteria provided, single submitter. Criteria: ACMG Guidelines, 2015. Collection method: clinical testing. Allele origin: germline.
Comment: This variant is classified as likely benign based on ACMG/AMP sequence variant interpretation guidelines (Richards et al. 2015 PMID: 25741868, with internal and published modifications).

Blueprint Genetics
Classification: Likely benign. Last evaluated: 2022-10-20. Review status: criteria provided, single submitter. Criteria: ACMG Guidelines, 2015. Collection method: clinical testing. Allele origin: germline.